The following is an entry in ClinVar:

NM_000384.3(APOB):c.12342G>T (p.Trp4114Cys)

Gene: APOB (apolipoprotein B; minus strand). Cytogenetic location: 2p24.1.
Variant type: single nucleotide variant.
Coding change: c.12342G>T on transcript NM_000384.3 (MANE Select); coding-DNA position 12342, G replaced by T.
Protein change: p.Trp4114Cys; replaces tryptophan 4114 with cysteine.
Molecular consequence: missense variant.
Genome position (GRCh38, 1-based): chr2:21,003,080, C>A on the plus strand (G>T on the coding strand, the complement: APOB is on the minus strand). VCF-style: chr2-21003080-C-A. GRCh37 (hg19) VCF-style: chr2-21225952-C-A.
Other names: short protein forms W4114C.
Identifiers: ClinVar variation 920558 (VCV000920558.9), dbSNP rs1045593499, ClinGen allele CA43489144.

ClinVar aggregate classification (germline): Uncertain significance. Review status: criteria provided, multiple submitters, no conflicts (2 of 4 stars). 3 submissions from 3 submitters: Uncertain significance (3). Last evaluated 2023-12-14.

Conditions:
Cardiovascular phenotype. Identifiers: MedGen CN230736.
Familial hypobetalipoproteinemia 1. Also called: Hypobetalipoproteinemia, normotriglyceridemic; Acanthocytosis with hypobetalipoproteinemia; APOB-Related Familial Hypobetalipoproteinemia. Identifiers: MedGen C4551990, MONDO:0014252, OMIM 615558.
Hypercholesterolemia, autosomal dominant, type B (FHCL2). Also called: Familial Hypercholesterolemia Type B; HYPERCHOLESTEROLEMIA, FAMILIAL, DUE TO LIGAND-DEFECTIVE APOLIPOPROTEIN B; Familial hypercholesterolemia 2; APOB-Related Familial Hypercholesterolemia, Autosomal Dominant; APOLIPOPROTEIN B-100, FAMILIAL DEFECTIVE; APOLIPOPROTEIN B-100, FAMILIAL LIGAND-DEFECTIVE. Identifiers: MedGen C1704417, MONDO:0007751, OMIM 144010.

Allele frequency attached by ClinVar (database versions not stated): gnomAD exomes below 0.00001; TOPMed below 0.00001.
gnomAD v4.1: 3 of 1,580,048 alleles (0.00019%); highest among the groups gnomAD compares: South Asian, 0.0023%; no homozygotes.

Submissions (3):

Labcorp Genetics (formerly Invitae), Labcorp
Classification: Uncertain significance for Familial hypobetalipoproteinemia 1; Hypercholesterolemia, autosomal dominant, type B. Last evaluated: 2023-12-14. Review status: criteria provided, single submitter. Criteria: Invitae Variant Classification Sherloc (09022015). Collection method: clinical testing. Allele origin: germline.
Comment: This sequence change replaces tryptophan, which is neutral and slightly polar, with cysteine, which is neutral and slightly polar, at codon 4114 of the APOB protein (p.Trp4114Cys). This variant is not present in population databases (gnomAD no frequency). This variant has not been reported in the literature in individuals affected with APOB-related conditions. ClinVar contains an entry for this variant (Variation ID: 920558). Advanced modeling of protein sequence and biophysical properties (such as structural, functional, and spatial information, amino acid conservation, physicochemical variation, residue mobility, and thermodynamic stability) performed at Invitae indicates that this missense variant is not expected to disrupt APOB protein function with a negative predictive value of 95%. In summary, the available evidence is currently insufficient to determine the role of this variant in disease. Therefore, it has been classified as a Variant of Uncertain Significance.

ARUP Laboratories, Molecular Genetics and Genomics, ARUP Laboratories
Classification: Uncertain significance. Last evaluated: 2023-07-13. Review status: criteria provided, single submitter. Criteria: ARUP Molecular Germline Variant Investigation Process 2024. Collection method: clinical testing. Allele origin: germline.
Comment: The APOB c.12342G>T; p.Trp4114Cys variant (rs1045593499), to our knowledge, is not reported in the medical literature but is reported in ClinVar (Variation ID: 920558). This variant is absent from the Genome Aggregation Database, indicating it is not a common polymorphism. Computational analyses predict that this variant is neutral (REVEL: 0.059). Due to limited information, the clinical significance of this variant is uncertain at this time.

Ambry Genetics
Classification: Uncertain significance for Cardiovascular phenotype. Last evaluated: 2022-09-13. Review status: criteria provided, single submitter. Criteria: Ambry Variant Classification Scheme 2023. Collection method: clinical testing. Allele origin: germline.
Comment: The p.W4114C variant (also known as c.12342G>T), located in coding exon 29 of the APOB gene, results from a G to T substitution at nucleotide position 12342. The tryptophan at codon 4114 is replaced by cysteine, an amino acid with highly dissimilar properties. This amino acid position is poorly conserved in available vertebrate species. In addition, this alteration is predicted to be tolerated by in silico analysis. Since supporting evidence is limited at this time, the clinical significance of this alteration remains unclear.